The following is an entry in ClinVar:

ClinVar aggregate classification (germline): Benign/Likely benign. Review status: criteria provided, multiple submitters, no conflicts (2 of 4 stars). 2 submissions from 2 submitters: Benign (1); Likely benign (1). Last evaluated 2026-01-28.

Allele frequency attached by ClinVar (database versions not stated): gnomAD exomes 0.00009 and 0.00022; ExAC 0.00026; 1000 Genomes Project 30x 0.00078; gnomAD 0.00094 and 0.00104; 1000 Genomes Project 0.00100; TOPMed 0.00102; ESP Exome Variant Server 0.00108.
gnomAD v4.1: 266 of 1,610,228 alleles (0.017%); highest among the groups gnomAD compares: African/African-American, 0.34%; no homozygotes.

Submissions (2):

Labcorp Genetics (formerly Invitae), Labcorp
Classification: Benign. Last evaluated: 2026-01-28. Review status: criteria provided, single submitter. Criteria: Invitae Variant Classification Sherloc (09022015). Collection method: clinical testing. Allele origin: germline.

CeGaT Center for Human Genetics Tuebingen
Classification: Likely benign. Last evaluated: 2025-12-01. Review status: criteria provided, single submitter. Criteria: CeGaT Center For Human Genetics Tuebingen Variant Classification Criteria Version 2. Collection method: clinical testing. Allele origin: germline. Affected: yes. Observed: 2 variant alleles.
Comment: CAMK2B: BP4, BP7, BS1

NM_001220.5(CAMK2B):c.279C>T (p.Val93=)

Gene: CAMK2B (calcium/calmodulin dependent protein kinase II beta; minus strand). Cytogenetic location: 7p13.
Variant type: single nucleotide variant.
Coding change: c.279C>T on transcript NM_001220.5 (MANE Select); coding-DNA position 279, C replaced by T.
Protein change: p.Val93=; no amino-acid change (valine 93 retained).
Molecular consequence: synonymous variant.
Genome position (GRCh38, 1-based): chr7:44,254,604, G>A on the plus strand (C>T on the coding strand, the complement: CAMK2B is on the minus strand). VCF-style: chr7-44254604-G-A. GRCh37 (hg19) VCF-style: chr7-44294203-G-A.
Other names: c.279C>T, p.Val93= (NM_001293170.2, NM_172078.3, NM_172079.3 and 5 more transcripts).
Identifiers: ClinVar variation 1634777 (VCV001634777.30), dbSNP rs138063552, ClinGen allele CA4240766.